The following is an entry in ClinVar:

ClinVar aggregate classification (germline): Uncertain significance (1 of 4 stars; one submission).

gnomAD v4.1: 2 of 1,612,012 alleles (0.00012%); highest among the groups gnomAD compares: East Asian, 0.0045%; no homozygotes.

Submission:

Labcorp Genetics (formerly Invitae), Labcorp
Classification: Uncertain significance. Last evaluated: 2024-12-12. Review status: criteria provided, single submitter. Criteria: Invitae Variant Classification Sherloc (09022015). Collection method: clinical testing. Allele origin: germline.
Comment: This sequence change falls in intron 66 of the COL11A1 gene. It does not directly change the encoded amino acid sequence of the COL11A1 protein. It affects a nucleotide within the consensus splice site. This variant is present in population databases (no rsID available, gnomAD 0.006%). This variant has not been reported in the literature in individuals affected with COL11A1-related conditions. Variants that disrupt the consensus splice site are a relatively common cause of aberrant splicing (PMID: 17576681, 9536098). Algorithms developed to predict the effect of sequence changes on RNA splicing suggest that this variant is not likely to affect RNA splicing. In summary, the available evidence is currently insufficient to determine the role of this variant in disease. Therefore, it has been classified as a Variant of Uncertain Significance.

Literature cited by the submitters: PubMed 17576681; PubMed 9536098.

NM_001854.4(COL11A1):c.5274+4A>G

Genes: COL11A1 (collagen type XI alpha 1 chain; minus strand), LOC126805814 (P300/CBP strongly-dependent group 1 enhancer GRCh37_chr1:103344928-103346127; plus strand). Cytogenetic location: 1p21.1.
Variant type: single nucleotide variant.
Coding change: c.5274+4A>G on transcript NM_001854.4 (MANE Select); 4 bases into the intron after coding-DNA position 5274, A replaced by G.
Molecular consequence: intron variant.
Genome position (GRCh38, 1-based): chr1:102,879,679, T>C on the plus strand (A>G on the coding strand, the complement: COL11A1 is on the minus strand). VCF-style: chr1-102879679-T-C. GRCh37 (hg19) VCF-style: chr1-103345235-T-C.
Other names: c.5157+4A>G (NM_001190709.2); c.5310+4A>G (NM_080629.3); c.4926+4A>G (NM_080630.4).
Identifiers: ClinVar variation 3717308 (VCV003717308.2).